The following is an entry in ClinVar:

ClinVar aggregate classification (germline): Uncertain significance. Review status: criteria provided, multiple submitters, no conflicts (2 of 4 stars). 4 submissions from 4 submitters: Uncertain significance (4). Last evaluated 2025-08-05.

Conditions:
Colorectal cancer, susceptibility to, 1. Also called: COLORECTAL ADENOMA AND CANCER, SUSCEPTIBILITY TO; COLORECTAL CANCER, SUSCEPTIBILITY TO, ON CHROMOSOME 9. Identifiers: MedGen C1837315, MONDO:0012132, OMIM 608812.

Allele frequency attached by ClinVar (database versions not stated): TOPMed 0.00004; ExAC 0.00002; gnomAD 0.00003.
gnomAD v4.1: 34 of 1,614,040 alleles (0.0021%); highest among the groups gnomAD compares: Admixed American, 0.0067%; no homozygotes.

Submissions (4):

Ambry Genetics
Classification: Uncertain significance. Last evaluated: 2025-08-05. Review status: criteria provided, single submitter. Criteria: Ambry Variant Classification Scheme 2023. Collection method: clinical testing. Allele origin: germline.
Comment: The p.V284M variant (also known as c.850G>A), located in coding exon 4 of the GALNT12 gene, results from a G to A substitution at nucleotide position 850. The valine at codon 284 is replaced by methionine, an amino acid with highly similar properties. This amino acid position is highly conserved in available vertebrate species. In addition, the in silico prediction for this alteration is inconclusive. Since supporting evidence is limited at this time, the clinical significance of this alteration remains unclear.

Quest Diagnostics Nichols Institute San Juan Capistrano
Classification: Uncertain significance. Last evaluated: 2025-05-23. Review status: criteria provided, single submitter. Criteria: Quest Diagnostics criteria. Collection method: clinical testing. Allele origin: unknown.
Comment: The GALNT12 c.850G>A (p.Val284Met) variant has not been reported in individuals with GALNT12-related conditions in the published literature. The frequency of this variant in the general population (Genome Aggregation Database) is uninformative in the assessment of its pathogenicity. Analysis of this variant using bioinformatics tools for the prediction of the effect of amino acid changes on protein structure and function yielded predictions that this variant is damaging. Based on the available information, we are unable to determine the clinical significance of this variant.

Labcorp Genetics (formerly Invitae), Labcorp
Classification: Uncertain significance. Last evaluated: 2024-08-15. Review status: criteria provided, single submitter. Criteria: Invitae Variant Classification Sherloc (09022015). Collection method: clinical testing. Allele origin: germline.
Comment: This sequence change replaces valine, which is neutral and non-polar, with methionine, which is neutral and non-polar, at codon 284 of the GALNT12 protein (p.Val284Met). This variant is present in population databases (rs772292450, gnomAD 0.006%). This variant has not been reported in the literature in individuals affected with GALNT12-related conditions. ClinVar contains an entry for this variant (Variation ID: 822524). Invitae Evidence Modeling of protein sequence and biophysical properties (such as structural, functional, and spatial information, amino acid conservation, physicochemical variation, residue mobility, and thermodynamic stability) indicates that this missense variant is not expected to disrupt GALNT12 protein function with a negative predictive value of 80%. In summary, the available evidence is currently insufficient to determine the role of this variant in disease. Therefore, it has been classified as a Variant of Uncertain Significance.

Baylor Genetics
Classification: Uncertain significance for Colorectal cancer, susceptibility to, 1. Last evaluated: 2023-06-02. Review status: criteria provided, single submitter. Criteria: ACMG Guidelines, 2015. Collection method: clinical testing. Allele origin: unknown.

NM_024642.5(GALNT12):c.850G>A (p.Val284Met)

Gene: GALNT12 (polypeptide N-acetylgalactosaminyltransferase 12; plus strand). Cytogenetic location: 9q22.33.
Variant type: single nucleotide variant.
Coding change: c.850G>A on transcript NM_024642.5 (MANE Select); coding-DNA position 850, G replaced by A.
Protein change: p.Val284Met; replaces valine 284 with methionine.
Molecular consequence: missense variant.
Genome position (GRCh38, 1-based): chr9:98,831,890, G>A. VCF-style: chr9-98831890-G-A. GRCh37 (hg19) VCF-style: chr9-101594172-G-A.
Other names: short protein forms V284M.
Identifiers: ClinVar variation 822524 (VCV000822524.15), dbSNP rs772292450, ClinGen allele CA5154079.